The following is an entry in ClinVar:

NM_001267550.2(TTN):c.30223+192G>A

Gene: TTN (titin; minus strand). Cytogenetic location: 2q31.2.
Variant type: single nucleotide variant.
Coding change: c.30223+192G>A on transcript NM_001267550.2 (MANE Select); 192 bases into the intron after coding-DNA position 30223, G replaced by A.
Molecular consequence: intron variant.
Genome position (GRCh38, 1-based): chr2:178,703,955, C>T on the plus strand (G>A on the coding strand, the complement: TTN is on the minus strand). VCF-style: chr2-178703955-C-T. GRCh37 (hg19) VCF-style: chr2-179568682-C-T.
Other names: c.13282+34127G>A (NM_003319.4); c.13858+34127G>A (NM_133437.4); c.13657+34127G>A (NM_133432.3); c.26491+192G>A (NM_133378.4); c.29272+192G>A (NM_001256850.1).
Identifiers: ClinVar variation 672574 (VCV000672574.1), dbSNP rs2742345, ClinGen allele CA11203794.

ClinVar aggregate classification (germline): Benign (1 of 4 stars; one submission).

Allele frequency attached by ClinVar (database versions not stated): gnomAD 0.17362 and 0.17381; TOPMed 0.18726; 1000 Genomes Project 0.23982; 1000 Genomes Project 30x 0.24110.
gnomAD v4.1: 26,248 of 152,160 alleles (17%); highest among the groups gnomAD compares: African/African-American, 38%; 3,818 homozygotes.

Submission:

GeneDx
Classification: Benign. Last evaluated: 2018-06-15. Review status: criteria provided, single submitter. Criteria: GeneDx Variant Classification (06012015). Collection method: clinical testing. Allele origin: germline. Affected: yes.
Comment: This variant is considered likely benign or benign based on one or more of the following criteria: it is a conservative change, it occurs at a poorly conserved position in the protein, it is predicted to be benign by multiple in silico algorithms, and/or has population frequency not consistent with disease.